The following is an entry in ClinVar:

NM_033380.3(COL4A5):c.1759C>T (p.Pro587Ser)

Gene: COL4A5 (collagen type IV alpha 5 chain; plus strand). Cytogenetic location: Xq22.3.
Variant type: single nucleotide variant.
Coding change: c.1759C>T on transcript NM_033380.3 (MANE Select); coding-DNA position 1759, C replaced by T.
Protein change: p.Pro587Ser; replaces proline 587 with serine.
Molecular consequence: missense variant.
Genome position (GRCh38, 1-based): chrX:108,597,548, C>T. VCF-style: chrX-108597548-C-T. GRCh37 (hg19) VCF-style: chrX-107840778-C-T.
Other names: c.1759C>T, p.Pro587Ser (NM_000495.5); c.1759C>T (NM_000495.4); short protein forms P587S.
Identifiers: ClinVar variation 1185595 (VCV001185595.4), dbSNP rs2147810509, ClinGen allele CA413845545.

ClinVar aggregate classification (germline): Uncertain significance. Review status: criteria provided, multiple submitters, no conflicts (2 of 4 stars). 3 submissions from 3 submitters: Uncertain significance (2). 1 of the submissions does not count toward it. Last evaluated 2026-02-20.

Conditions:
Nonsyndromic genetic hearing loss. Also called: Non-syndromic genetic deafness; Nonsyndromic hearing loss and deafness; Nonsyndromic genetic deafness. Identifiers: Orphanet 87884, MedGen C5680182, MONDO:0019497.
X-linked Alport syndrome (ATS1). Also called: COL4A5-Related Nephropathy; NEPHROPATHY AND DEAFNESS, X-LINKED. Identifiers: Orphanet 63, Orphanet 88917, MedGen C4746986, MONDO:0010520, OMIM 301050.

Submissions (3):

Myriad Genetics, Inc.
Classification: Uncertain significance for X-linked Alport syndrome. Last evaluated: 2026-02-20. Review status: criteria provided, single submitter. Criteria: Myriad Autosomal Dominant, Autosomal Recessive and X-Linked Classification Criteria (2023). Collection method: clinical testing. Allele origin: unknown.
Comment: NM_000495.4(COL4A5):c.1759C>T(P587S) is a missense variant classified as a variant of uncertain significance in the context of X-linked Alport syndrome. P587S has not been observed in cases with relevant disease. Relevant functional assessments of this variant are not available in the literature. P587S has not been observed in referenced population frequency databases. In summary, there is insufficient evidence to classify NM_000495.4(COL4A5):c.1759C>T(P587S) as pathogenic or benign. Please note: this variant was assessed in the context of healthy population screening.

INGEBI, INGEBI / CONICET
Classification: Uncertain significance for Nonsyndromic genetic hearing loss. Last evaluated: 2021-07-15. Review status: criteria provided, single submitter. Criteria: ClinGen HL ACMG Specifications v1. Collection method: clinical testing. Allele origin: germline. Inheritance: X-linked inheritance. Affected: yes.
Comment: Based on ACMG/AMP guidelines and Hearing Loss Expert Panel specific criteria: The c.1759C>T variant in COL4A5 gene is absent in population databases, PM2. Computational analysis predicted a pathogenic effect of the mutation to the protein, REVEL=0,75 (PP3). PM2 in addition with PP3 lead to Uncertain significance.

Natera, Inc.
Classification: Uncertain significance for X-linked Alport syndrome. Last evaluated: 2025-05-30. Review status: no assertion criteria provided. Collection method: clinical testing. Allele origin: germline. Not counted in ClinVar's aggregate classification.